The following is an entry in ClinVar:

NM_001378454.1(ALMS1):c.6632C>A (p.Ser2211Tyr)

Gene: ALMS1 (ALMS1 centrosome and basal body associated protein; plus strand). Cytogenetic location: 2p13.1.
Variant type: single nucleotide variant.
Coding change: c.6632C>A on transcript NM_001378454.1 (MANE Select); coding-DNA position 6632, C replaced by A.
Protein change: p.Ser2211Tyr; replaces serine 2211 with tyrosine.
Molecular consequence: missense variant.
Genome position (GRCh38, 1-based): chr2:73,453,159, C>A. VCF-style: chr2-73453159-C-A. GRCh37 (hg19) VCF-style: chr2-73680286-C-A.
Other names: c.6635C>A, p.Ser2212Tyr (NM_015120.4); short protein forms S2211Y, S2212Y.
Identifiers: ClinVar variation 1441819 (VCV001441819.5), dbSNP rs1357695377, ClinGen allele CA347288851.

ClinVar aggregate classification (germline): Uncertain significance. Review status: criteria provided, multiple submitters, no conflicts (2 of 4 stars). 2 submissions from 2 submitters: Uncertain significance (2). Last evaluated 2024-10-17.

Conditions:
Cardiovascular phenotype. Identifiers: MedGen CN230736.
Alstrom syndrome (ALMS). Identifiers: Orphanet 64, MedGen C0268425, MONDO:0008763, OMIM 203800.

Allele frequency attached by ClinVar (database versions not stated): gnomAD exomes 0.00001.
gnomAD v4.1: 13 of 1,613,928 alleles (0.00081%); highest among the groups gnomAD compares: Non-Finnish European, 0.0011%; no homozygotes.

Submissions (2):

Labcorp Genetics (formerly Invitae), Labcorp
Classification: Uncertain significance for Alstrom syndrome. Last evaluated: 2024-10-17. Review status: criteria provided, single submitter. Criteria: Invitae Variant Classification Sherloc (09022015). Collection method: clinical testing. Allele origin: germline.
Comment: This sequence change replaces serine, which is neutral and polar, with tyrosine, which is neutral and polar, at codon 2212 of the ALMS1 protein (p.Ser2212Tyr). This variant is present in population databases (no rsID available, gnomAD 0.007%). This variant has not been reported in the literature in individuals affected with ALMS1-related conditions. ClinVar contains an entry for this variant (Variation ID: 1441819). Experimental studies and prediction algorithms are not available or were not evaluated, and the functional significance of this variant is currently unknown. In summary, the available evidence is currently insufficient to determine the role of this variant in disease. Therefore, it has been classified as a Variant of Uncertain Significance.

Ambry Genetics
Classification: Uncertain significance for Cardiovascular phenotype. Last evaluated: 2023-12-12. Review status: criteria provided, single submitter. Criteria: Ambry Variant Classification Scheme 2023. Collection method: clinical testing. Allele origin: germline.
Comment: The p.S2212Y variant (also known as c.6635C>A), located in coding exon 8 of the ALMS1 gene, results from a C to A substitution at nucleotide position 6635. The serine at codon 2212 is replaced by tyrosine, an amino acid with dissimilar properties. This amino acid position is well conserved in available vertebrate species. In addition, this alteration is predicted to be tolerated by in silico analysis. Since supporting evidence is limited at this time, the clinical significance of this alteration remains unclear.